The following is an entry in ClinVar:

ClinVar aggregate classification (germline): Pathogenic (1 of 4 stars; one submission).

Conditions:
Granulomatous disease, chronic, autosomal recessive, cytochrome b-positive, type 2. Also called: GRANULOMATOUS DISEASE, CHRONIC, DUE TO NCF2 DEFICIENCY; Chronic Granulomatous Disease, Autosomal Recessive, Cytochrome b-Positive, Type II; GRANULOMATOUS DISEASE, CHRONIC, AUTOSOMAL RECESSIVE, 2; Chronic granulomatous disease due to deficiency of NCF-2; CGD, AUTOSOMAL RECESSIVE CYTOCHROME b-POSITIVE, TYPE II. Identifiers: Orphanet 379, MedGen C1856245, MONDO:0009310, OMIM 233710.

Submission:

Labcorp Genetics (formerly Invitae), Labcorp
Classification: Pathogenic for Granulomatous disease, chronic, autosomal recessive, cytochrome b-positive, type 2. Last evaluated: 2017-12-06. Review status: criteria provided, single submitter. Criteria: Invitae Variant Classification Sherloc (09022015). Collection method: clinical testing. Allele origin: germline.
Comment: Loss-of-function variants in NCF2 are known to be pathogenic (PMID: 10498624, 20167518). This variant has not been reported in the literature in individuals with NCF2-related disease. This variant is not present in population databases (ExAC no frequency). This sequence change creates a premature translational stop signal (p.Val14Cysfs*37) in the NCF2 gene. It is expected to result in an absent or disrupted protein product. For these reasons, this variant has been classified as Pathogenic.

Literature cited by the submitters: PubMed 10498624; PubMed 20167518.

NM_000433.4(NCF2):c.40del (p.Val14fs)

Gene: NCF2 (neutrophil cytosolic factor 2; minus strand). Cytogenetic location: 1q25.3.
Variant type: Deletion.
Coding change: c.40del on transcript NM_000433.4 (MANE Select); coding-DNA position 40, one base deleted (G; older notation c.40delG).
Protein change: p.Val14fs; shifts the reading frame from valine 14.
Molecular consequence: frameshift variant.
Genome position (GRCh38, 1-based): chr1:183,590,290, C deleted on the plus strand (G on the coding strand, the reverse complement: NCF2 is on the minus strand); the first of 4 consecutive C bases (chr1:183,590,290-183,590,293); deleting any one gives the same sequence. VCF-style (leftmost placement, unchanged base first): chr1-183590289-AC-A. GRCh37 (hg19) VCF-style: chr1-183559424-AC-A.
Other names: c.40del, p.Val14fs (NM_001127651.3, NM_001190789.2, NM_001190794.2); c.40delG (NM_000433.3); short protein forms V14fs.
Identifiers: ClinVar variation 573574 (VCV000573574.7), dbSNP rs1290169467, ClinGen allele CA891843109.